The following is an entry in ClinVar:

NM_005609.4(PYGM):c.983delinsTCGTGCTGCTGAGTG (p.Asp328fs)

Gene: PYGM (glycogen phosphorylase, muscle associated; minus strand). Cytogenetic location: 11q13.1.
Variant type: Indel.
Coding change: c.983delinsTCGTGCTGCTGAGTG on transcript NM_005609.4 (MANE Select); coding-DNA position 983, A replaced by TCGTGCTGCTGAGTG.
Protein change: p.Asp328fs; shifts the reading frame from aspartic acid 328.
Molecular consequence: frameshift variant.
Genome position (GRCh38, 1-based): chr11:64,754,709, T replaced by CACTCAGCAGCACGA on the plus strand (A replaced by TCGTGCTGCTGAGTG on the coding strand, the reverse complement: PYGM is on the minus strand). VCF-style: chr11-64754709-T-CACTCAGCAGCACGA. GRCh37 (hg19) VCF-style: chr11-64522181-T-CACTCAGCAGCACGA.
Other names: c.719delinsTCGTGCTGCTGAGTG, p.Asp240fs (NM_001164716.1); short protein forms D240fs, D328fs.
Identifiers: ClinVar variation 5010345 (VCV005010345.1).

ClinVar aggregate classification (germline): Pathogenic (1 of 4 stars; one submission).

Conditions:
Glycogen storage disease, type V (GSD5). Also called: MCARDLE DISEASE; MUSCLE GLYCOGEN PHOSPHORYLASE DEFICIENCY; MYOPHOSPHORYLASE DEFICIENCY; PYGM DEFICIENCY; McArdle type glycogen storage disease. Identifiers: Orphanet 368, MedGen C0017924, MONDO:0009293, OMIM 232600.

Submission:

Myriad Genetics, Inc.
Classification: Pathogenic for Glycogen storage disease, type V. Last evaluated: 2024-05-14. Review status: criteria provided, single submitter. Criteria: Myriad Autosomal Dominant, Autosomal Recessive and X-Linked Classification Criteria (2023). Collection method: clinical testing. Allele origin: unknown.
Comment: NM_005609.2(PYGM):c.983del1ins15(D328Vfs*28) is expected to be pathogenic in the context of glycogen storage disease, PYGM-related. This variant is predicted to lead to an abnormal or absent protein product due to the creation of a premature termination codon in PYGM, a gene where loss-of-function variants are known to be pathogenic. Please note: this variant was assessed in the context of healthy population screening.